The following is an entry in ClinVar:

ClinVar aggregate classification (germline): Pathogenic. Review status: criteria provided, multiple submitters, no conflicts (2 of 4 stars). 4 submissions from 4 submitters: Pathogenic (4). Last evaluated 2026-07-27.

Conditions:
PRPF31-related disorder. Also called: PRPF31-related condition.

Submissions (4):

GeneDx
Classification: Pathogenic. Last evaluated: 2026-07-27. Review status: criteria provided, single submitter. Criteria: GeneDx Variant Classification Process June 2021. Collection method: clinical testing. Allele origin: germline.
Comment: Canonical splice site variant predicted to result in a null allele in a gene for which loss of function is a known mechanism of disease (PMID: 16708387); Not observed at significant frequency in large population cohorts (gnomAD); This variant is associated with the following publications: (PMID: 25525159, 34060618, 18640990, 18317597, 21378395, 16708387, BujakowskaKM_2026_Abstract)

PreventionGenetics, part of Exact Sciences
Classification: Pathogenic for PRPF31-related condition. Last evaluated: 2026-04-09. Review status: criteria provided, single submitter. Criteria: ACMG Guidelines, 2015. Collection method: clinical testing. Allele origin: germline.
Comment: The PRPF31 c.856-2A>G variant is predicted to disrupt the AG splice acceptor site and interfere with normal splicing. This variant disrupts the acceptor splice site of an in-frame exon and introduces a cryptic splice site in intron 8, resulting in a retention of 28bp of intron 8 and a frameshift and premature termination at amino acid position 322 (Rivolta et al. 2006. PubMed ID: 16708387). This variant has been reported in individuals with retinitis pigmentosa (see for example: Rivolta et al. 2006. PubMed ID: 16708387). This variant has not been reported in a large population database (gnomAD), indicating this variant is rare. Variants that disrupt the consensus splice acceptor site in PRPF31 are expected to be pathogenic. This variant is interpreted as pathogenic.

Labcorp Genetics (formerly Invitae), Labcorp
Classification: Pathogenic. Last evaluated: 2025-11-04. Review status: criteria provided, single submitter. Criteria: Invitae Variant Classification Sherloc (09022015). Collection method: clinical testing. Allele origin: germline.
Comment: This sequence change affects an acceptor splice site in intron 8 of the PRPF31 gene. It is expected to disrupt RNA splicing. Variants that disrupt the donor or acceptor splice site typically lead to a loss of protein function (PMID: 16199547), and loss-of-function variants in PRPF31 are known to be pathogenic (PMID: 18317597, 23950152). This variant is not present in population databases (gnomAD no frequency). Disruption of this splice site has been observed in individuals with autosomal dominant retinitis pigmentosa (PMID: 16708387; internal data). This variant is also known as IVS8-2A>G. ClinVar contains an entry for this variant (Variation ID: 1356686). Algorithms developed to predict the effect of sequence changes on RNA splicing suggest that this variant may disrupt the consensus splice site. For these reasons, this variant has been classified as Pathogenic.

Blueprint Genetics
Classification: Pathogenic for PRPF31-related disorders. Last evaluated: 2022-09-01. Review status: criteria provided, single submitter. Criteria: ACMG Guidelines, 2015. Collection method: clinical testing. Allele origin: germline. Affected: yes. Observed: 5 variant alleles.

Literature cited by the submitters: PubMed 16199547 (cited by Labcorp Genetics (formerly Invitae), Labcorp); PubMed 18317597 (cited by Labcorp Genetics (formerly Invitae), Labcorp); PubMed 23950152 (cited by Labcorp Genetics (formerly Invitae), Labcorp); PubMed 16708387 (cited by Labcorp Genetics (formerly Invitae), Labcorp).

NM_015629.4(PRPF31):c.856-2A>G

Gene: PRPF31 (pre-mRNA processing factor 31; plus strand). Cytogenetic location: 19q13.42.
Variant type: single nucleotide variant.
Coding change: c.856-2A>G on transcript NM_015629.4 (MANE Select); the canonical splice acceptor site of the intron before coding-DNA position 856, A replaced by G.
Molecular consequence: splice acceptor variant.
Genome position (GRCh38, 1-based): chr19:54,126,526, A>G. VCF-style: chr19-54126526-A-G. GRCh37 (hg19) VCF-style: chr19-54629901-A-G.
Other names: c.856-2A>G (NM_015629.3).
Identifiers: ClinVar variation 1356686 (VCV001356686.10), dbSNP rs2146436261, ClinGen allele CA407751771.